The following is an entry in ClinVar:

NM_000132.4(F8):c.6991A>T (p.Ser2331Cys)

Gene: F8 (coagulation factor VIII; minus strand). Cytogenetic location: Xq28.
Variant type: single nucleotide variant.
Coding change: c.6991A>T on transcript NM_000132.4 (MANE Select); coding-DNA position 6991, A replaced by T.
Protein change: p.Ser2331Cys; replaces serine 2331 with cysteine.
Molecular consequence: missense variant.
Genome position (GRCh38, 1-based): chrX:154,837,662, T>A on the plus strand (A>T on the coding strand, the complement: F8 is on the minus strand). VCF-style: chrX-154837662-T-A. GRCh37 (hg19) VCF-style: chrX-154065937-T-A.
Other names: c.586A>T, p.Ser196Cys (NM_019863.3); short protein forms S196C, S2331C.
Identifiers: ClinVar variation 618636 (VCV000618636.9), dbSNP rs1557271047, ClinGen allele CA414897038.

ClinVar aggregate classification (germline): Uncertain significance (1 of 4 stars; one submission).

Allele frequency attached by ClinVar (database versions not stated): gnomAD exomes below 0.00001 and 0.00001.
gnomAD v4.1: 5 of 1,210,916 alleles (0.00041%); highest among the groups gnomAD compares: South Asian, 0.0088%; no homozygotes.

Submission:

ARUP Laboratories, Molecular Genetics and Genomics, ARUP Laboratories
Classification: Uncertain significance. Last evaluated: 2024-06-03. Review status: criteria provided, single submitter. Criteria: ARUP Molecular Germline Variant Investigation Process 2024. Collection method: clinical testing. Allele origin: germline.
Comment: The F8 c.6991A>T; p.Ser2331Cys variant (rs1557271047), to our knowledge, is not reported in the medical literature but is reported in ClinVar (Variation ID: 618636). This variant is found in the South Asian population with an allele frequency of 0.01% (2/18,352 alleles, including 1 hemizygote) in the Genome Aggregation Database (v2.1.1). Computational analyses are uncertain whether this variant is neutral or deleterious (REVEL: 0.664). Due to limited information, the clinical significance of this variant is uncertain at this time.